The following is an entry in ClinVar:

NM_001378454.1(ALMS1):c.8802A>G (p.Lys2934=)

Gene: ALMS1 (ALMS1 centrosome and basal body associated protein; plus strand). Cytogenetic location: 2p13.1.
Variant type: single nucleotide variant.
Coding change: c.8802A>G on transcript NM_001378454.1 (MANE Select); coding-DNA position 8802, A replaced by G.
Protein change: p.Lys2934=; no amino-acid change (lysine 2934 retained).
Molecular consequence: synonymous variant.
Genome position (GRCh38, 1-based): chr2:73,490,761, A>G. VCF-style: chr2-73490761-A-G. GRCh37 (hg19) VCF-style: chr2-73717888-A-G.
Other names: c.8805A>G, p.Lys2935= (NM_015120.4).
Identifiers: ClinVar variation 4982031 (VCV004982031.1).

ClinVar aggregate classification (germline): Likely benign (1 of 4 stars; one submission).

Conditions:
ALMS1-related disorder. Also called: ALMS1-related condition.

Submission:

PreventionGenetics, part of Exact Sciences
Classification: Likely benign for ALMS1-related condition. Last evaluated: 2025-05-27. Review status: criteria provided, single submitter. Criteria: ACMG Guidelines, 2015. Collection method: clinical testing. Allele origin: germline.
Comment: This variant is classified as likely benign based on ACMG/AMP sequence variant interpretation guidelines (Richards et al. 2015 PMID: 25741868, with internal and published modifications).